The following is an entry in ClinVar:

ClinVar aggregate classification (germline): Uncertain significance (1 of 4 stars; one submission).

Conditions:
Atrial fibrillation, familial, 11 (ATFB11). Identifiers: MedGen C3279693, MONDO:0013544, OMIM 614049.
Atrial standstill 1 (ATRST1). Also called: ATRIAL CARDIOMYOPATHY WITH HEART BLOCK; CARDIOMYOPATHY, FAMILIAL, WITH CONDUCTION DISTURBANCE; Atrial standstill, digenic (GJA5/SCN5A). Identifiers: Orphanet 1344, MedGen C4551959, MONDO:0007171, OMIM 108770.

Submission:

Labcorp Genetics (formerly Invitae), Labcorp
Classification: Uncertain significance for Atrial fibrillation, familial, 11; Atrial standstill 1. Last evaluated: 2022-05-06. Review status: criteria provided, single submitter. Criteria: Invitae Variant Classification Sherloc (09022015). Collection method: clinical testing. Allele origin: germline.
Comment: This sequence change replaces methionine, which is neutral and non-polar, with leucine, which is neutral and non-polar, at codon 102 of the GJA5 protein (p.Met102Leu). This variant is not present in population databases (gnomAD no frequency). This variant has not been reported in the literature in individuals affected with GJA5-related conditions. Algorithms developed to predict the effect of missense changes on protein structure and function are either unavailable or do not agree on the potential impact of this missense change (SIFT: "Not Available"; PolyPhen-2: "Benign"; Align-GVGD: "Not Available"). In summary, the available evidence is currently insufficient to determine the role of this variant in disease. Therefore, it has been classified as a Variant of Uncertain Significance.

NM_181703.4(GJA5):c.304A>T (p.Met102Leu)

Gene: GJA5 (gap junction protein alpha 5; minus strand). Cytogenetic location: 1q21.2.
Variant type: single nucleotide variant.
Coding change: c.304A>T on transcript NM_181703.4 (MANE Select); coding-DNA position 304, A replaced by T.
Protein change: p.Met102Leu; replaces methionine 102 with leucine.
Molecular consequence: missense variant.
Genome position (GRCh38, 1-based): chr1:147,758,935, T>A on the plus strand (A>T on the coding strand, the complement: GJA5 is on the minus strand). VCF-style: chr1-147758935-T-A. GRCh37 (hg19) VCF-style: chr1-147231043-T-A.
Other names: c.304A>T, p.Met102Leu (NM_005266.7); short protein forms M102L.
Identifiers: ClinVar variation 1358271 (VCV001358271.8), dbSNP rs1285920774, ClinGen allele CA342397114.